The following is an entry in ClinVar:

NM_000393.5(COL5A2):c.3683A>T (p.His1228Leu)

Gene: COL5A2 (collagen type V alpha 2 chain; minus strand). Cytogenetic location: 2q32.2.
Variant type: single nucleotide variant.
Coding change: c.3683A>T on transcript NM_000393.5 (MANE Select); coding-DNA position 3683, A replaced by T.
Protein change: p.His1228Leu; replaces histidine 1228 with leucine.
Molecular consequence: missense variant.
Genome position (GRCh38, 1-based): chr2:189,039,514, T>A on the plus strand (A>T on the coding strand, the complement: COL5A2 is on the minus strand). VCF-style: chr2-189039514-T-A. GRCh37 (hg19) VCF-style: chr2-189904240-T-A.
Other names: short protein forms H1228L.
Identifiers: ClinVar variation 3664687 (VCV003664687.2).

ClinVar aggregate classification (germline): Uncertain significance (1 of 4 stars; one submission).

Conditions:
Ehlers-Danlos syndrome, classic type, 1 (EDSCL1). Also called: EHLERS-DANLOS SYNDROME, GRAVIS TYPE; EHLERS-DANLOS SYNDROME, SEVERE CLASSIC TYPE; Ehlers-Danlos syndrome, type 1; Ehlers-Danlos Syndrome, Classic Type, COL5A1-Related; EDS I. Identifiers: MedGen C0268335, MONDO:0019567, OMIM 130000.

Submission:

Labcorp Genetics (formerly Invitae), Labcorp
Classification: Uncertain significance for Ehlers-Danlos syndrome, classic type, 1. Last evaluated: 2025-04-22. Review status: criteria provided, single submitter. Criteria: Invitae Variant Classification Sherloc (09022015). Collection method: clinical testing. Allele origin: germline.
Comment: This sequence change replaces histidine, which is basic and polar, with leucine, which is neutral and non-polar, at codon 1228 of the COL5A2 protein (p.His1228Leu). This variant is not present in population databases (gnomAD no frequency). This variant has not been reported in the literature in individuals affected with COL5A2-related conditions. ClinVar contains an entry for this variant (Variation ID: 3664687). Invitae Evidence Modeling of protein sequence and biophysical properties (such as structural, functional, and spatial information, amino acid conservation, physicochemical variation, residue mobility, and thermodynamic stability) indicates that this missense variant is not expected to disrupt COL5A2 protein function with a negative predictive value of 95%. In summary, the available evidence is currently insufficient to determine the role of this variant in disease. Therefore, it has been classified as a Variant of Uncertain Significance.